The following is an entry in ClinVar:

ClinVar aggregate classification (germline): Pathogenic (1 of 4 stars; one submission).

Conditions:
Granulomatous disease, chronic, autosomal recessive, cytochrome b-negative. Also called: Chronic granulomatous disease, autosomal, due to deficiency of CYBA; CGD DUE TO DEFICIENCY OF THE ALPHA SUBUNIT OF CYTOCHROME b; CGD, AUTOSOMAL RECESSIVE CYTOCHROME b-NEGATIVE; CYBA DEFICIENCY; GRANULOMATOUS DISEASE, CHRONIC, AUTOSOMAL RECESSIVE, 4. Identifiers: Orphanet 379, MedGen C1856255, MONDO:0009308, OMIM 233690.

Submission:

Labcorp Genetics (formerly Invitae), Labcorp
Classification: Pathogenic for Granulomatous disease, chronic, autosomal recessive, cytochrome b-negative. Last evaluated: 2022-02-03. Review status: criteria provided, single submitter. Criteria: Invitae Variant Classification Sherloc (09022015). Collection method: clinical testing. Allele origin: germline.
Comment: ClinVar contains an entry for this variant (Variation ID: 941734). This variant has not been reported in the literature in individuals affected with CYBA-related conditions. This variant is not present in population databases (gnomAD no frequency). This sequence change creates a premature translational stop signal (p.Val99Cysfs*92) in the CYBA gene. While this is not anticipated to result in nonsense mediated decay, it is expected to disrupt the last 97 amino acid(s) of the CYBA protein. For these reasons, this variant has been classified as Pathogenic. This variant disrupts a region of the CYBA protein in which other variant(s) (p.Glu129*) have been determined to be pathogenic (Invitae). This suggests that this is a clinically significant region of the protein, and that variants that disrupt it are likely to be disease-causing.

NM_000101.4(CYBA):c.295del (p.Val99fs)

Gene: CYBA (cytochrome b-245 alpha chain; minus strand). Cytogenetic location: 16q24.2.
Variant type: Deletion.
Coding change: c.295del on transcript NM_000101.4 (MANE Select); coding-DNA position 295, one base deleted (G; older notation c.295delG).
Protein change: p.Val99fs; shifts the reading frame from valine 99.
Molecular consequence: frameshift variant.
Genome position (GRCh38, 1-based): chr16:88,646,190, C deleted on the plus strand (G on the coding strand, the reverse complement: CYBA is on the minus strand); the first of 2 consecutive C bases (chr16:88,646,190-88,646,191); deleting either gives the same sequence. VCF-style (leftmost placement, unchanged base first): chr16-88646189-AC-A. GRCh37 (hg19) VCF-style: chr16-88712597-AC-A.
Other names: short protein forms V99fs.
Identifiers: ClinVar variation 941734 (VCV000941734.10), dbSNP rs1907272370, ClinGen allele CA1139664864.